The following is an entry in ClinVar:

ClinVar aggregate classification (germline): Conflicting classifications of pathogenicity. Review status: criteria provided, conflicting classifications (1 of 4 stars). 18 submissions from 14 submitters: Uncertain significance (10); Likely benign (7). 1 of the submissions does not count toward it. Last evaluated 2026-05-03.

Conditions:
Hereditary cancer-predisposing syndrome. Also called: Tumor predisposition; Hereditary neoplastic syndrome; Hereditary Cancer Syndrome; Neoplastic Syndromes, Hereditary. Identifiers: Orphanet 140162, MedGen C0027672, MeSH D009386, MONDO:0015356.
Cardiovascular phenotype. Identifiers: MedGen CN230736.
NF1-related disorder. Also called: NF1-related condition. Identifiers: MedGen CN379171.
Neurofibromatosis, familial spinal (FSNF). Identifiers: Orphanet 636, MedGen C1834235, MONDO:0008078, OMIM 162210. Disease mechanism: loss of function.
Neurofibromatosis, type 1 (NF1). Also called: NEUROFIBROMATOSIS, TYPE I, SOMATIC; VON RECKLINGHAUSEN DISEASE; Neurofibromatosis, type I; Peripheral type neurofibromatosis. Identifiers: Orphanet 636, MedGen C0027831, MONDO:0018975, OMIM 162200. Disease mechanism: loss of function.
Juvenile myelomonocytic leukemia (JMML). Also called: LEUKEMIA, JUVENILE MYELOMONOCYTIC, SOMATIC. Identifiers: Orphanet 86834, MedGen C0349639, MONDO:0011908, OMIM 607785, HP:0012209.
Neurofibromatosis-Noonan syndrome (NFNS). Also called: NEUROFIBROMATOSIS WITH NOONAN PHENOTYPE. Identifiers: Orphanet 638, MedGen C2931482, MONDO:0011035, OMIM 601321. Disease mechanism: loss of function.
Café-au-lait macules with pulmonary stenosis (WTSN). Also called: PULMONIC STENOSIS WITH CAFE-AU-LAIT SPOTS. Identifiers: MedGen C0553586, MONDO:0008672, OMIM 193520.
Familial cancer of breast. Also called: Hereditary breast cancer; hereditary breast carcinoma; BREAST CANCER, FAMILIAL. Identifiers: Orphanet 227535, MedGen C0346153, MONDO:0016419, OMIM 114480. Disease mechanism: loss of function.

Allele frequency attached by ClinVar (database versions not stated): ExAC 0.00007; ESP Exome Variant Server 0.00008; gnomAD exomes 0.00008; gnomAD 0.00009; TOPMed 0.00009.
gnomAD v4.1: 185 of 1,614,026 alleles (0.011%); highest among the groups gnomAD compares: Non-Finnish European, 0.015%; no homozygotes.

Submissions (18):

PreventionGenetics, part of Exact Sciences
Classification: Likely benign for NF1-related condition. Last evaluated: 2026-05-03. Review status: criteria provided, single submitter. Criteria: ACMG Guidelines, 2015. Collection method: clinical testing. Allele origin: germline.
Comment: This variant is classified as likely benign based on ACMG/AMP sequence variant interpretation guidelines (Richards et al. 2015 PMID: 25741868, with internal and published modifications).

Labcorp Genetics (formerly Invitae), Labcorp
Classification: Likely benign for Neurofibromatosis, type 1. Last evaluated: 2026-01-26. Review status: criteria provided, single submitter. Criteria: Invitae Variant Classification Sherloc (09022015). Collection method: clinical testing. Allele origin: germline.

Quest Diagnostics Nichols Institute San Juan Capistrano
Classification: Likely benign. Last evaluated: 2025-07-15. Review status: criteria provided, single submitter. Criteria: Quest Diagnostics criteria. Collection method: clinical testing. Allele origin: unknown.

Mayo Clinic Laboratories, Mayo Clinic
Classification: Uncertain significance. Last evaluated: 2025-06-16. Review status: criteria provided, single submitter. Criteria: ACMG Guidelines, 2015. Collection method: clinical testing. Allele origin: germline. Observed: 3 variant alleles.
Comment: PP3_moderate

CeGaT Center for Human Genetics Tuebingen
Classification: Uncertain significance. Last evaluated: 2025-05-01. Review status: criteria provided, single submitter. Criteria: CeGaT Center For Human Genetics Tuebingen Variant Classification Criteria Version 2. Collection method: clinical testing. Allele origin: germline. Affected: yes. Observed: 5 variant alleles.
Comment: NF1: PP2, PP3

Molecular Pathology, Peter Maccallum Cancer Centre
Classification: Likely benign for Neurofibromatosis, type 1. Last evaluated: 2024-12-05. Review status: criteria provided, single submitter. Criteria: ACMG Guidelines, 2015. Collection method: clinical testing. Allele origin: germline. Inheritance: Autosomal dominant inheritance.

St. Jude Molecular Pathology, St. Jude Children's Research Hospital
Classification: Uncertain significance for Neurofibromatosis, type 1. Last evaluated: 2024-09-28. Review status: criteria provided, single submitter. Criteria: St. Jude Assertion Criteria 2020. Collection method: clinical testing. Allele origin: germline.
Comment: The NF1 c.5450C>G (p.Ser1817Cys) missense change has a maximum subpopulation frequency of 0.02% in gnomAD v2.1.1. The in silico tool REVEL predicts a deleterious effect on protein function, but to our knowledge this prediction has not been confirmed by functional studies. This variant has been reported in an individual with Neurofibromatosis Type 1 (PMID: 27322474). In summary, the evidence currently available is insufficient to determine the clinical significance of this variant. It has therefore been classified as of uncertain significance.

Sema4
Classification: Uncertain significance for Hereditary cancer-predisposing syndrome. Last evaluated: 2021-07-12. Review status: criteria provided, single submitter. Criteria: Sema4 Curation Guidelines. Collection method: curation. Allele origin: germline.
Comment: The NF1 c.5450C>G (p.S1817C) variant has been reported in at least one individual with Neurofibromatosis Type 1 (PMID: 27322474). In a breast cancer case-control study, the variant was also reported in several cases and controls (PMID: 33471991). It was observed in 23/129094 chromosomes of the Non-Finnish European subpopulation, with no homozygotes, in the large and broad cohorts of the Genome Aggregation Database (PMID: 32461654). The variant has been reported in ClinVar (Variation ID 142804). In silico tools suggest the impact of the variant on protein function is deleterious, though these predictions have not been confirmed by functional studies. The evidence is insufficient to meet ACMG/AMP criteria for classifying the variant as benign or pathogenic. Thus, the clinical significance of this variant is currently uncertain.

GeneDx
Classification: Likely benign. Last evaluated: 2021-06-21. Review status: criteria provided, single submitter. Criteria: GeneDx Variant Classification Process June 2021. Collection method: clinical testing. Allele origin: germline. Affected: yes.
Comment: In silico analysis supports that this missense variant has a deleterious effect on protein structure/function; Observed in individuals with neurofibromatosis type 1 (Evans 2016); This variant is associated with the following publications: (PMID: 27322474, 24463508, 27498913, 29089047, 27930734, 28873162, 27535533)

Ambry Genetics
Classification: Likely benign for Cardiovascular phenotype; Hereditary cancer-predisposing syndrome. Last evaluated: 2021-03-19. Review status: criteria provided, single submitter. Criteria: Ambry Variant Classification Scheme 2023. Collection method: clinical testing. Allele origin: germline.

Centre for Mendelian Genomics, University Medical Centre Ljubljana
Classification: Uncertain significance for Neurofibromatosis, type 1. Last evaluated: 2019-04-05. Review status: criteria provided, single submitter. Criteria: ACMG Guidelines, 2015. Collection method: clinical testing. Allele origin: unknown. Affected: yes.
Comment: This variant was classified as: Uncertain significance. The available evidence on this variant's pathogenicity is insufficient or conflicting. The following ACMG criteria were applied in classifying this variant: PP3.

Illumina Laboratory Services, Illumina
Classification: Uncertain significance for Café-au-lait macules with pulmonary stenosis. Last evaluated: 2018-01-12. Review status: criteria provided, single submitter. Criteria: ICSL Variant Classification Criteria 13 December 2019. Collection method: clinical testing. Allele origin: germline.

Illumina Laboratory Services, Illumina
Classification: Likely benign for Neurofibromatosis-Noonan syndrome. Last evaluated: 2018-01-12. Review status: criteria provided, single submitter. Criteria: ICSL Variant Classification Criteria 13 December 2019. Collection method: clinical testing. Allele origin: germline.
Comment: This variant was observed in the ICSL laboratory as part of a predisposition screen in an ostensibly healthy population. It had not been previously curated by ICSL or reported in the Human Gene Mutation Database (HGMD: prior to June 1st, 2018), and was therefore a candidate for classification through an automated scoring system. Utilizing variant allele frequency, disease prevalence and penetrance estimates, and inheritance mode, an automated score was calculated to assess if this variant is too frequent to cause the disease. Based on the score and internal cut-off values, a variant classified as likely benign is not then subjected to further curation. The score for this variant resulted in a classification of likely benign for this disease.

Illumina Laboratory Services, Illumina
Classification: Uncertain significance for Neurofibromatosis, familial spinal. Last evaluated: 2018-01-12. Review status: criteria provided, single submitter. Criteria: ICSL Variant Classification Criteria 13 December 2019. Collection method: clinical testing. Allele origin: germline.

Illumina Laboratory Services, Illumina
Classification: Uncertain significance for Neurofibromatosis, type 1. Last evaluated: 2018-01-12. Review status: criteria provided, single submitter. Criteria: ICSL Variant Classification Criteria 13 December 2019. Collection method: clinical testing. Allele origin: germline.

Fulgent Genetics
Classification: Uncertain significance for Neurofibromatosis, type 1; Neurofibromatosis, familial spinal; Café-au-lait macules with pulmonary stenosis; Neurofibromatosis-Noonan syndrome; Juvenile myelomonocytic leukemia. Last evaluated: 2017-05-23. Review status: criteria provided, single submitter. Criteria: ACMG Guidelines, 2015. Collection method: clinical testing. Allele origin: unknown.

Ambry Genetics
Classification: Uncertain significance for Hereditary cancer-predisposing syndrome. Last evaluated: 2015-11-06. Review status: criteria provided, single submitter. Criteria: Ambry Autosomal Dominant and X-Linked criteria (10/2015). Collection method: clinical testing. Allele origin: germline. Observed: 1 variant allele.
Comment: The p.S1838C variant (also known as c.5513C>G), located in coding exon 38 of the NF1 gene, results from a C to G substitution at nucleotide position 5513. The serine at codon 1838 is replaced by cysteine, an amino acid with dissimilar properties. This variant was previously reported in the SNPDatabase as rs368654378. Based on data from the NHLBI Exome Sequencing Project (ESP), the G allele has an overall frequency of approximately 0.01% (1/13006) total alleles studied, having been observed in 0.01% (1/8600) European American alleles.<span style="background-color:initial">To date, this alteration has been detected with an allele frequency of approximately 0.01% (greater than 110000 alleles tested) in our clinical cohort. This amino acid position is highly conserved in available vertebrate species. In addition, this alteration is predicted to be deleterious by in silico analysis. Since supporting evidence is limited at this time, the clinical significance of p.S1838C remains unclear.

Diagnostics Centre, Carl Von Ossietzky University Oldenburg
Classification: Uncertain significance for Familial cancer of breast. Last evaluated: 2025-06-10. Review status: no assertion criteria provided. Collection method: clinical testing. Allele origin: germline. Affected: yes. Observed: 1 variant allele. Not counted in ClinVar's aggregate classification.
Comment: The variant NF1:c.5450C>G p.(Ser1817Cys) located in the coding exon 38 of the NF1 gene, results from an a cysteine to guanine substitution at nucleotide position c.5450. The serine residue at protein position 1817 is replaced by a cysteine. In silico tools predict a deleterious effect in the protein structure/function (REVEL = 0,77). Missense variants in this gene or the affected region are a known disease mechanism and are rare in the general population. The affected protein region has significant levels of missense constrain. The variant has been classified in 12 entries as variant of uncertain significance as well as likely benign in four entries in ClinVar (VCV000142804.52). The variant is rare in the overall population (MAF 6,24 * e-7 in gnomAD v4.1.0). In summary, the variant is classified as variant of uncertain significance.

Literature cited by the submitters: PubMed 27322474 (cited by Mayo Clinic Laboratories, Mayo Clinic and Sema4); PubMed 33471991 (cited by Sema4).

NM_001042492.3(NF1):c.5513C>G (p.Ser1838Cys)

Gene: NF1 (neurofibromin 1; plus strand). Cytogenetic location: 17q11.2.
Variant type: single nucleotide variant.
Coding change: c.5513C>G on transcript NM_001042492.3 (MANE Select); coding-DNA position 5513, C replaced by G.
Protein change: p.Ser1838Cys; replaces serine 1838 with cysteine.
Molecular consequence: missense variant.
Genome position (GRCh38, 1-based): chr17:31,327,743, C>G. VCF-style: chr17-31327743-C-G. GRCh37 (hg19) VCF-style: chr17-29654761-C-G.
Other names: p.Ser1817Cys; c.5450C>G, p.Ser1817Cys (NM_000267.4); short protein forms S1817C, S1838C.
Identifiers: ClinVar variation 142804 (VCV000142804.58), dbSNP rs368654378, ClinGen allele CA169448.